The following is an entry in ClinVar:

NM_152564.5(VPS13B):c.6731del (p.Glu2244fs)

Gene: VPS13B (vacuolar protein sorting 13 homolog B; plus strand). Cytogenetic location: 8q22.2.
Variant type: Deletion.
Coding change: c.6731del on transcript NM_152564.5 (MANE Select); coding-DNA position 6731, one base deleted (A; older notation c.6731delA).
Protein change: p.Glu2244fs; shifts the reading frame from glutamic acid 2244.
Molecular consequence: frameshift variant.
Genome position (GRCh38, 1-based): chr8:99,720,418, A deleted. VCF-style (leftmost placement, unchanged base first): chr8-99720417-GA-G. GRCh37 (hg19) VCF-style: chr8-100732645-GA-G.
Other names: c.6806del, p.Glu2269fs (NM_017890.5); short protein forms E2244fs, E2269fs.
Identifiers: ClinVar variation 846904 (VCV000846904.3), dbSNP rs1833089251, ClinGen allele CA916081510.
Genomic context (GRCh38, chr8:99,720,417, plus strand): 5'-CAAGAACATTTGAATTGTTTAGTTCTTCTACATGAATTACTCAATGGATACCTTAATGAG[GA>G]GGGAAATTTTGAAGTACAAGTTTCTGAACCAGTGCCTCAAATGTCATCTCCTGTGGAAAA-3'

ClinVar aggregate classification (germline): Pathogenic (1 of 4 stars; one submission).

Conditions:
Cohen syndrome (COH1). Also called: PEPPER SYNDROME; Cutis verticis gyrata, retinitis pigmentosa, and sensorineural deafness. Identifiers: Orphanet 193, MedGen C0265223, MONDO:0008999, OMIM 216550.

Allele frequency attached by ClinVar (database versions not stated): gnomAD exomes 0.00001.

Submission:

Labcorp Genetics (formerly Invitae), Labcorp
Classification: Pathogenic for Cohen syndrome. Last evaluated: 2019-03-12. Review status: criteria provided, single submitter. Criteria: Invitae Variant Classification Sherloc (09022015). Collection method: clinical testing. Allele origin: germline.
Comment: This sequence change creates a premature translational stop signal (p.Glu2269Glyfs*48) in the VPS13B gene. It is expected to result in an absent or disrupted protein product. This variant is not present in population databases (ExAC no frequency). This variant has not been reported in the literature in individuals with VPS13B-related conditions. Loss-of-function variants in VPS13B are known to be pathogenic (PMID: 15141358, 16648375, 20461111). For these reasons, this variant has been classified as Pathogenic.

Literature cited by the submitters: PubMed 15141358; PubMed 16648375; PubMed 20461111.